The following is an entry in ClinVar:

ClinVar aggregate classification (germline): Uncertain significance (1 of 4 stars; one submission).

Conditions:
Baller-Gerold syndrome (BGS). Also called: CRANIOSYNOSTOSIS WITH RADIAL DEFECTS. Identifiers: Orphanet 1225, MedGen C0265308, MONDO:0009039, OMIM 218600.

Submission:

Labcorp Genetics (formerly Invitae), Labcorp
Classification: Uncertain significance for Baller-Gerold syndrome. Last evaluated: 2023-04-19. Review status: criteria provided, single submitter. Criteria: Invitae Variant Classification Sherloc (09022015). Collection method: clinical testing. Allele origin: germline.
Comment: This sequence change replaces glutamic acid, which is acidic and polar, with glycine, which is neutral and non-polar, at codon 823 of the RECQL4 protein (p.Glu823Gly). In summary, the available evidence is currently insufficient to determine the role of this variant in disease. Therefore, it has been classified as a Variant of Uncertain Significance. Advanced modeling of protein sequence and biophysical properties (such as structural, functional, and spatial information, amino acid conservation, physicochemical variation, residue mobility, and thermodynamic stability) performed at Invitae indicates that this missense variant is not expected to disrupt RECQL4 protein function. ClinVar contains an entry for this variant (Variation ID: 1062233). This variant has not been reported in the literature in individuals affected with RECQL4-related conditions. This variant is not present in population databases (gnomAD no frequency).

NM_004260.4(RECQL4):c.2468A>G (p.Glu823Gly)

Gene: RECQL4 (RecQ like helicase 4; minus strand). Cytogenetic location: 8q24.3.
Variant type: single nucleotide variant.
Coding change: c.2468A>G on transcript NM_004260.4 (MANE Select); coding-DNA position 2468, A replaced by G.
Protein change: p.Glu823Gly; replaces glutamic acid 823 with glycine.
Molecular consequence: missense variant.
Genome position (GRCh38, 1-based): chr8:144,513,134, T>C on the plus strand (A>G on the coding strand, the complement: RECQL4 is on the minus strand). VCF-style: chr8-144513134-T-C. GRCh37 (hg19) VCF-style: chr8-145738517-T-C.
Other names: short protein forms E823G.
Identifiers: ClinVar variation 1062233 (VCV001062233.5), dbSNP rs2130674107, ClinGen allele CA372677618.